The following is an entry in ClinVar:

NM_000089.4(COL1A2):c.1326G>C (p.Gly442=)

Gene: COL1A2 (collagen type I alpha 2 chain; plus strand). Cytogenetic location: 7q21.3.
Variant type: single nucleotide variant.
Coding change: c.1326G>C on transcript NM_000089.4 (MANE Select); coding-DNA position 1326, G replaced by C.
Protein change: p.Gly442=; no amino-acid change (glycine 442 retained).
Molecular consequence: synonymous variant.
Genome position (GRCh38, 1-based): chr7:94,411,130, G>C. VCF-style: chr7-94411130-G-C. GRCh37 (hg19) VCF-style: chr7-94040442-G-C.
Identifiers: ClinVar variation 1770017 (VCV001770017.6), dbSNP rs779173151, ClinGen allele CA4347002.

ClinVar aggregate classification (germline): Likely benign. Review status: criteria provided, multiple submitters, no conflicts (2 of 4 stars). 3 submissions from 3 submitters: Likely benign (2). 1 of the submissions does not count toward it. Last evaluated 2024-05-06.

Conditions:
COL1A2-related disorder. Also called: COL1A2-related condition; COL1A2-Related Disorders.
Ehlers-Danlos syndrome, classic type, 1 (EDSCL1). Also called: Ehlers-Danlos syndrome, type 1; Ehlers-Danlos Syndrome, Classic Type, COL5A1-Related; EDS I; EHLERS-DANLOS SYNDROME, GRAVIS TYPE; EHLERS-DANLOS SYNDROME, SEVERE CLASSIC TYPE. Identifiers: MedGen C0268335, MONDO:0019567, OMIM 130000.
Osteogenesis imperfecta type I (OI1). Also called: Osteogenesis imperfecta type 1; Lobstein's Disease; Lobstein disease; OI, TYPE I; OSTEOGENESIS IMPERFECTA TARDA; OSTEOGENESIS IMPERFECTA WITH BLUE SCLERAE. Identifiers: Orphanet 216796, Orphanet 666, MedGen C0023931, MONDO:0008146, OMIM 166200. Disease mechanism: loss of function.
Cardiovascular phenotype. Identifiers: MedGen CN230736.

Allele frequency attached by ClinVar (database versions not stated): ExAC 0.00010.
gnomAD v4.1: 26 of 1,594,116 alleles (0.0016%); highest among the groups gnomAD compares: South Asian, 0.025%; 2 homozygotes.

Submissions (3):

Labcorp Genetics (formerly Invitae), Labcorp
Classification: Likely benign for Osteogenesis imperfecta type I; Ehlers-Danlos syndrome, classic type, 1. Last evaluated: 2024-05-06. Review status: criteria provided, single submitter. Criteria: Invitae Variant Classification Sherloc (09022015). Collection method: clinical testing. Allele origin: germline.

Ambry Genetics
Classification: Likely benign for Cardiovascular phenotype. Last evaluated: 2019-06-10. Review status: criteria provided, single submitter. Criteria: Ambry Variant Classification Scheme 2023. Collection method: clinical testing. Allele origin: germline.

PreventionGenetics, part of Exact Sciences
Classification: Likely benign for COL1A2-related condition. Last evaluated: 2019-12-30. Review status: no assertion criteria provided. Collection method: clinical testing. Allele origin: germline. Not counted in ClinVar's aggregate classification.
Comment: This variant is classified as likely benign based on ACMG/AMP sequence variant interpretation guidelines (Richards et al. 2015 PMID: 25741868, with internal and published modifications).